The following is an entry in ClinVar:

ClinVar aggregate classification (germline): Conflicting classifications of pathogenicity. Review status: criteria provided, conflicting classifications (1 of 4 stars). 3 submissions from 3 submitters: Likely pathogenic (2); Uncertain significance (1). Last evaluated 2025-05-11.

Conditions:
NR2E3-related disorder. Also called: NR2E3-related condition; NR2E3-related disorders. Identifiers: MedGen CN239387.

gnomAD v4.1: 2 of 1,604,086 alleles (0.00012%); highest among the groups gnomAD compares: Non-Finnish European, 0.00017%; no homozygotes.

Submissions (3):

Labcorp Genetics (formerly Invitae), Labcorp
Classification: Uncertain significance. Last evaluated: 2025-05-11. Review status: criteria provided, single submitter. Criteria: Invitae Variant Classification Sherloc (09022015). Collection method: clinical testing. Allele origin: germline.
Comment: This sequence change replaces valine, which is neutral and non-polar, with leucine, which is neutral and non-polar, at codon 75 of the NR2E3 protein (p.Val75Leu). This variant is not present in population databases (gnomAD no frequency). This variant has not been reported in the literature in individuals affected with NR2E3-related conditions. ClinVar contains an entry for this variant (Variation ID: 444348). Invitae Evidence Modeling of protein sequence and biophysical properties (such as structural, functional, and spatial information, amino acid conservation, physicochemical variation, residue mobility, and thermodynamic stability) indicates that this missense variant is not expected to disrupt NR2E3 protein function with a negative predictive value of 80%. In summary, the available evidence is currently insufficient to determine the role of this variant in disease. Therefore, it has been classified as a Variant of Uncertain Significance.

Blueprint Genetics
Classification: Likely pathogenic for NR2E3-related disorders. Last evaluated: 2023-10-25. Review status: criteria provided, single submitter. Criteria: ACMG Guidelines, 2015. Collection method: clinical testing. Allele origin: germline. Affected: yes. Observed: 4 variant alleles.

CeGaT Center for Human Genetics Tuebingen
Classification: Likely pathogenic. Last evaluated: 2023-09-01. Review status: criteria provided, single submitter. Criteria: CeGaT Center For Human Genetics Tuebingen Variant Classification Criteria Version 2. Collection method: clinical testing. Allele origin: germline. Affected: yes. Observed: 2 variant alleles.
Comment: NR2E3: PM3:Strong, PM2

NM_014249.4(NR2E3):c.223G>T (p.Val75Leu)

Gene: NR2E3 (nuclear receptor subfamily 2 group E member 3; plus strand). Cytogenetic location: 15q23.
Variant type: single nucleotide variant.
Coding change: c.223G>T on transcript NM_014249.4 (MANE Select); coding-DNA position 223, G replaced by T.
Protein change: p.Val75Leu; replaces valine 75 with leucine.
Molecular consequence: missense variant.
Genome position (GRCh38, 1-based): chr15:71,811,587, G>T. VCF-style: chr15-71811587-G-T. GRCh37 (hg19) VCF-style: chr15-72103927-G-T.
Other names: c.223G>T, p.Val75Leu (NM_016346.4); short protein forms V75L.
Identifiers: ClinVar variation 444348 (VCV000444348.47), dbSNP rs750284532, ClinGen allele CA393032156.